The following is an entry in ClinVar:

ClinVar aggregate classification (germline): Uncertain significance (1 of 4 stars; one submission).

Conditions:
Brachyolmia-amelogenesis imperfecta syndrome. Also called: PLATYSPONDYLY WITH AMELOGENESIS IMPERFECTA; Tooth agenesis, selective, 6; Dental anomalies and short stature. Identifiers: Orphanet 2899, MedGen C1832594, MONDO:0011018, OMIM 601216. Disease mechanism: loss of function.

gnomAD v4.1: 3 of 1,575,920 alleles (0.00019%); highest among the groups gnomAD compares: Non-Finnish European, 0.00026%; no homozygotes.

Submission:

Labcorp Genetics (formerly Invitae), Labcorp
Classification: Uncertain significance for Brachyolmia-amelogenesis imperfecta syndrome. Last evaluated: 2021-07-09. Review status: criteria provided, single submitter. Criteria: Invitae Variant Classification Sherloc (09022015). Collection method: clinical testing. Allele origin: germline.
Comment: This sequence change replaces proline with arginine at codon 271 of the LTBP3 protein (p.Pro271Arg). The proline residue is moderately conserved and there is a moderate physicochemical difference between proline and arginine. This variant is not present in population databases (ExAC no frequency). This variant has not been reported in the literature in individuals affected with LTBP3-related conditions. Algorithms developed to predict the effect of missense changes on protein structure and function (SIFT, PolyPhen-2, Align-GVGD) all suggest that this variant is likely to be tolerated. In summary, the available evidence is currently insufficient to determine the role of this variant in disease. Therefore, it has been classified as a Variant of Uncertain Significance.

NM_001130144.3(LTBP3):c.812C>G (p.Pro271Arg)

Gene: LTBP3 (latent transforming growth factor beta binding protein 3; minus strand). Cytogenetic location: 11q13.1.
Variant type: single nucleotide variant.
Coding change: c.812C>G on transcript NM_001130144.3 (MANE Select); coding-DNA position 812, C replaced by G.
Protein change: p.Pro271Arg; replaces proline 271 with arginine.
Molecular consequence: missense variant.
Genome position (GRCh38, 1-based): chr11:65,553,753, G>C on the plus strand (C>G on the coding strand, the complement: LTBP3 is on the minus strand). VCF-style: chr11-65553753-G-C. GRCh37 (hg19) VCF-style: chr11-65321224-G-C.
Other names: c.461C>G, p.Pro154Arg (NM_001164266.1); c.812C>G, p.Pro271Arg (NM_021070.4); short protein forms P154R, P271R.
Identifiers: ClinVar variation 1515167 (VCV001515167.8), dbSNP rs768788797, ClinGen allele CA381275682.